The following is an entry in ClinVar:

NM_001122630.2(CDKN1C):c.475G>A (p.Ala159Thr)

Gene: CDKN1C (cyclin dependent kinase inhibitor 1C; minus strand). Cytogenetic location: 11p15.4.
Variant type: single nucleotide variant.
Coding change: c.475G>A on transcript NM_001122630.2 (MANE Select); coding-DNA position 475, G replaced by A.
Protein change: p.Ala159Thr; replaces alanine 159 with threonine.
Molecular consequence: missense variant. On other transcripts: intron variant (1).
Genome position (GRCh38, 1-based): chr11:2,884,982, C>T on the plus strand (G>A on the coding strand, the complement: CDKN1C is on the minus strand). VCF-style: chr11-2884982-C-T. GRCh37 (hg19) VCF-style: chr11-2906212-C-T.
Other names: c.508G>A, p.Ala170Thr (LRG_533t1, NM_000076.2, NM_001362474.2); c.475G>A, p.Ala159Thr (NM_001122631.2); c.255+220G>A (NM_001362475.2); short protein forms A159T, A170T.
Identifiers: ClinVar variation 639145 (VCV000639145.10), dbSNP rs1590150209, ClinGen allele CA379146565.

ClinVar aggregate classification (germline): Uncertain significance (1 of 4 stars; one submission).

Conditions:
Beckwith-Wiedemann syndrome (BWS). Also called: Exomphalos macroglossia gigantism syndrome; EMG SYNDROME. Identifiers: Orphanet 116, MedGen C0004903, MONDO:0007534, OMIM 130650.

Submission:

Labcorp Genetics (formerly Invitae), Labcorp
Classification: Uncertain significance for Beckwith-Wiedemann syndrome. Last evaluated: 2019-09-27. Review status: criteria provided, single submitter. Criteria: Invitae Variant Classification Sherloc (09022015). Collection method: clinical testing. Allele origin: germline.
Comment: In summary, the available evidence is currently insufficient to determine the role of this variant in disease. Therefore, it has been classified as a Variant of Uncertain Significance. This variant has not been reported in the literature in individuals with CDKN1C-related disease. The frequency data for this variant in the population databases is considered unreliable, as metrics indicate insufficient coverage at this position in the ExAC database. This sequence change replaces alanine with threonine at codon 170 of the CDKN1C protein (p.Ala170Thr). The alanine residue is weakly conserved and there is a small physicochemical difference between alanine and threonine.